The following is an entry in ClinVar:

NM_006431.3(CCT2):c.527A>G (p.Lys176Arg)

Gene: CCT2 (chaperonin containing TCP1 subunit 2; plus strand). Cytogenetic location: 12q15.
Variant type: single nucleotide variant.
Coding change: c.527A>G on transcript NM_006431.3 (MANE Select); coding-DNA position 527, A replaced by G.
Protein change: p.Lys176Arg; replaces lysine 176 with arginine.
Molecular consequence: missense variant.
Genome position (GRCh38, 1-based): chr12:69,589,565, A>G. VCF-style: chr12-69589565-A-G. GRCh37 (hg19) VCF-style: chr12-69983345-A-G.
Other names: c.386A>G, p.Lys129Arg (NM_001198842.2); short protein forms K129R, K176R.
Identifiers: ClinVar variation 2131029 (VCV002131029.4), dbSNP rs2498994684, ClinGen allele CA385726622.
Genomic context (GRCh38, chr12:69,589,565, plus strand): 5'-GTCAAGATTTAATGAATATTGCGGGCACAACATTATCCTCAAAACTTCTTACTCATCACA[A>G]AGACCACTTTACAAAGTTAGCTGTAGAAGCAGTTCTCAGACTGAAAGGCTCTGGCAACCT-3'
Protein context (NP_006422.1, residues 166-186): TLSSKLLTHH[Lys176Arg]DHFTKLAVEA

ClinVar aggregate classification (germline): Uncertain significance (1 of 4 stars; one submission).

Submission:

Labcorp Genetics (formerly Invitae), Labcorp
Classification: Uncertain significance. Last evaluated: 2022-06-20. Review status: criteria provided, single submitter. Criteria: Invitae Variant Classification Sherloc (09022015). Collection method: clinical testing. Allele origin: germline.
Comment: In summary, the available evidence is currently insufficient to determine the role of this variant in disease. Therefore, it has been classified as a Variant of Uncertain Significance. Algorithms developed to predict the effect of sequence changes on RNA splicing suggest that this variant may create or strengthen a splice site. Algorithms developed to predict the effect of missense changes on protein structure and function are either unavailable or do not agree on the potential impact of this missense change (SIFT: "Deleterious"; PolyPhen-2: "Benign"; Align-GVGD: "Class C25"). This variant has not been reported in the literature in individuals affected with CCT2-related conditions. This variant is not present in population databases (gnomAD no frequency). This sequence change replaces lysine, which is basic and polar, with arginine, which is basic and polar, at codon 176 of the CCT2 protein (p.Lys176Arg).